The following is an entry in ClinVar:

NM_000388.4(CASR):c.2111T>C (p.Leu704Pro)

Gene: CASR (calcium sensing receptor; plus strand). Cytogenetic location: 3q21.1.
Variant type: single nucleotide variant.
Coding change: c.2111T>C on transcript NM_000388.4 (MANE Select); coding-DNA position 2111, T replaced by C.
Protein change: p.Leu704Pro; replaces leucine 704 with proline.
Molecular consequence: missense variant.
Genome position (GRCh38, 1-based): chr3:122,284,065, T>C. VCF-style: chr3-122284065-T-C. GRCh37 (hg19) VCF-style: chr3-122002912-T-C.
Other names: c.2141T>C, p.Leu714Pro (NM_001178065.2); short protein forms L704P, L714P.
Identifiers: ClinVar variation 585621 (VCV000585621.13), dbSNP rs1559968657, ClinGen allele CA354158592.

ClinVar aggregate classification (germline): Conflicting classifications of pathogenicity. Review status: criteria provided, conflicting classifications (1 of 4 stars). 3 submissions from 3 submitters: Likely pathogenic (2); Uncertain significance (1). Last evaluated 2025-07-24.

Conditions:
Autosomal dominant hypocalcemia 1 (HYPOC1). Also called: HYPOCALCEMIA, FAMILIAL. Identifiers: MedGen C3715128, MONDO:0011013, OMIM 601198.
Familial hypocalciuric hypercalcemia (FHH). Also called: Familial benign hypercalcemia. Identifiers: Orphanet 405, MedGen C1809471, MONDO:0018458.

Allele frequency attached by ClinVar (database versions not stated): gnomAD exomes below 0.00001.
gnomAD v4.1: 1 of 1,614,226 alleles (0.000062%); highest among the groups gnomAD compares: Non-Finnish European, 0.000085%; no homozygotes.

Submissions (3):

Women's Health and Genetics/Laboratory Corporation of America, LabCorp
Classification: Likely pathogenic for Familial hypocalciuric hypercalcemia. Last evaluated: 2025-07-24. Review status: criteria provided, single submitter. Criteria: LabCorp Variant Classification Summary - May 2015. Collection method: clinical testing. Allele origin: germline.
Comment: Variant summary: CASR c.2111T>C (p.Leu704Pro) results in a non-conservative amino acid change in the encoded protein sequence. Algorithms developed to predict the effect of missense changes on protein structure and function all suggest that this variant is likely to be disruptive. The variant was absent in 251462 control chromosomes. c.2111T>C has been observed in individual(s) affected with clinical features of familial hypocalciuric hypercalcemia and/or hyperparathyroidism (e.g. Starker_ 2012, Internal data). These data indicate that the variant is likely to be associated with disease. To our knowledge, no experimental evidence demonstrating an impact on protein function has been reported. The following publication has been ascertained in the context of this evaluation (PMID: 22187299). ClinVar contains an entry for this variant (Variation ID: 585621). Based on the evidence outlined above, the variant was classified as likely pathogenic.

Labcorp Genetics (formerly Invitae), Labcorp
Classification: Likely pathogenic for Familial hypocalciuric hypercalcemia; Autosomal dominant hypocalcemia 1. Last evaluated: 2024-04-01. Review status: criteria provided, single submitter. Criteria: Invitae Variant Classification Sherloc (09022015). Collection method: clinical testing. Allele origin: germline.
Comment: This sequence change replaces leucine, which is neutral and non-polar, with proline, which is neutral and non-polar, at codon 704 of the CASR protein (p.Leu704Pro). This variant is not present in population databases (gnomAD no frequency). This missense change has been observed in individual(s) with clinical features of familial hypocalciuric hypercalcemia and/or hyperparathyroidism (PMID: 22187299; Invitae). Invitae’s autosomal dominant CASR-related conditions clinical variant model, which takes into account the clinical and family history, age, sex, and reported ancestry of multiple individuals with this CASR variant, predicts that it is pathogenic with a positive predictive value of at least 99%. This is a validated machine learning model developed at Invitae that incorporates the clinical features of 606,512 individuals referred for testing at Invitae. ClinVar contains an entry for this variant (Variation ID: 585621). An algorithm developed to predict the effect of missense changes on protein structure and function (PolyPhen-2) suggests that this variant is likely to be disruptive. In summary, the currently available evidence indicates that the variant is pathogenic, but additional data are needed to prove that conclusively. Therefore, this variant has been classified as Likely Pathogenic.

Athena Diagnostics
Classification: Uncertain significance. Last evaluated: 2021-07-22. Review status: criteria provided, single submitter. Criteria: Athena Diagnostics Criteria. Collection method: clinical testing. Allele origin: unknown.

Literature cited by the submitters: PubMed 22187299 (cited by 3 submitters).